The following is an entry in ClinVar:

ClinVar aggregate classification (germline): Uncertain significance. Review status: criteria provided, multiple submitters, no conflicts (2 of 4 stars). 2 submissions from 2 submitters: Uncertain significance (2). Last evaluated 2023-01-10.

Allele frequency attached by ClinVar (database versions not stated): TOPMed below 0.00001.
gnomAD v4.1: 1 of 1,614,042 alleles (0.000062%); highest among the groups gnomAD compares: Non-Finnish European, 0.000085%; no homozygotes.

Submissions (2):

Ambry Genetics
Classification: Uncertain significance. Last evaluated: 2023-01-10. Review status: criteria provided, single submitter. Criteria: Ambry Variant Classification Scheme 2023. Collection method: clinical testing. Allele origin: germline.

Labcorp Genetics (formerly Invitae), Labcorp
Classification: Uncertain significance. Last evaluated: 2020-12-26. Review status: criteria provided, single submitter. Criteria: Invitae Variant Classification Sherloc (09022015). Collection method: clinical testing. Allele origin: germline.
Comment: In summary, the available evidence is currently insufficient to determine the role of this variant in disease. Therefore, it has been classified as a Variant of Uncertain Significance. Algorithms developed to predict the effect of missense changes on protein structure and function are either unavailable or do not agree on the potential impact of this missense change (SIFT: "Deleterious"; PolyPhen-2: "Benign"; Align-GVGD: "Class C0"). This variant has not been reported in the literature in individuals with VAV1-related conditions. This variant is not present in population databases (ExAC no frequency). This sequence change replaces isoleucine with asparagine at codon 613 of the VAV1 protein (p.Ile613Asn). The isoleucine residue is weakly conserved and there is a large physicochemical difference between isoleucine and asparagine.

NM_005428.4(VAV1):c.1838T>A (p.Ile613Asn)

Gene: VAV1 (vav guanine nucleotide exchange factor 1; plus strand). Cytogenetic location: 19p13.3.
Variant type: single nucleotide variant.
Coding change: c.1838T>A on transcript NM_005428.4 (MANE Select); coding-DNA position 1838, T replaced by A.
Protein change: p.Ile613Asn; replaces isoleucine 613 with asparagine.
Molecular consequence: missense variant.
Genome position (GRCh38, 1-based): chr19:6,836,492, T>A. VCF-style: chr19-6836492-T-A. GRCh37 (hg19) VCF-style: chr19-6836503-T-A.
Other names: c.1838T>A, p.Ile613Asn (NM_001258206.2); c.1742T>A, p.Ile581Asn (NM_001258207.2); c.1838T>A (NM_005428.2); short protein forms I613N, I581N.
Identifiers: ClinVar variation 1497694 (VCV001497694.9), dbSNP rs750632166, ClinGen allele CA304816036.